The following is an entry in ClinVar:

NM_006939.4(SOS2):c.1209C>A (p.Cys403Ter)

Gene: SOS2 (SOS Ras/Rho guanine nucleotide exchange factor 2; minus strand). Cytogenetic location: 14q21.3.
Variant type: single nucleotide variant.
Coding change: c.1209C>A on transcript NM_006939.4 (MANE Select); coding-DNA position 1209, C replaced by A.
Protein change: p.Cys403Ter; replaces cysteine 403 with a stop codon.
Molecular consequence: nonsense.
Genome position (GRCh38, 1-based): chr14:50,160,074, G>T on the plus strand (C>A on the coding strand, the complement: SOS2 is on the minus strand). VCF-style: chr14-50160074-G-T. GRCh37 (hg19) VCF-style: chr14-50626792-G-T.
Other names: c.1110C>A, p.Cys370Ter (NM_001411020.1); short protein forms C370*, C403*.
Identifiers: ClinVar variation 2444872 (VCV002444872.1), dbSNP rs1884944730, ClinGen allele CA389646321.

ClinVar aggregate classification (germline): Uncertain significance (1 of 4 stars; one submission).

Conditions:
Noonan syndrome 9 (NS9). Identifiers: Orphanet 648, MedGen C4225282, MONDO:0014691, OMIM 616559.

gnomAD v4.1: 1 of 1,609,892 alleles (0.000062%); highest among the groups gnomAD compares: African/African-American, 0.0013%; no homozygotes.

Submission:

St. Jude Molecular Pathology, St. Jude Children's Research Hospital
Classification: Uncertain significance for Noonan syndrome 9. Last evaluated: 2022-01-03. Review status: criteria provided, single submitter. Criteria: St. Jude Assertion Criteria 2020. Collection method: clinical testing. Allele origin: germline.
Comment: The SOS2 c.1209C>A (p.Cys403Ter) change is a nonsense variant that is predicted to cause premature protein truncation. The disease mechanism for SOS2 is gain-of-function caused by heterozygous missense changes, whereas protein-truncating and splice variants do not have an established correlation to disease (PMID: 26173643). This variant is absent in gnomAD v2.1.1. To our knowledge, this variant has not been reported in individuals with Noonan syndrome. In summary, the evidence currently available is insufficient to determine the clinical significance of this variant. It has therefore been classified as of uncertain significance.